The following is an entry in ClinVar:

ClinVar aggregate classification (germline): Uncertain significance. Review status: criteria provided, multiple submitters, no conflicts (2 of 4 stars). 2 submissions from 2 submitters: Uncertain significance (2). Last evaluated 2026-09-02.

gnomAD v4.1: 1 of 1,614,074 alleles (0.000062%); highest among the groups gnomAD compares: Admixed American, 0.0017%; no homozygotes.

Submissions (2):

GeneDx
Classification: Uncertain significance. Last evaluated: 2026-09-02. Review status: criteria provided, single submitter. Criteria: GeneDx Variant Classification Process June 2021. Collection method: clinical testing. Allele origin: germline.
Comment: Not observed at significant frequency in large population cohorts (gnomAD); In silico analysis supports that this missense variant has a deleterious effect on protein structure/function; Has not been previously published as pathogenic or benign to our knowledge

Labcorp Genetics (formerly Invitae), Labcorp
Classification: Uncertain significance. Last evaluated: 2024-09-04. Review status: criteria provided, single submitter. Criteria: Invitae Variant Classification Sherloc (09022015). Collection method: clinical testing. Allele origin: germline.
Comment: This sequence change replaces proline, which is neutral and non-polar, with serine, which is neutral and polar, at codon 435 of the SMAD2 protein (p.Pro435Ser). This variant is present in population databases (no rsID available, gnomAD 0.003%). This variant has not been reported in the literature in individuals affected with SMAD2-related conditions. Invitae Evidence Modeling of protein sequence and biophysical properties (such as structural, functional, and spatial information, amino acid conservation, physicochemical variation, residue mobility, and thermodynamic stability) indicates that this missense variant is expected to disrupt SMAD2 protein function with a positive predictive value of 80%. In summary, the available evidence is currently insufficient to determine the role of this variant in disease. Therefore, it has been classified as a Variant of Uncertain Significance.

NM_005901.6(SMAD2):c.1303C>T (p.Pro435Ser)

Gene: SMAD2 (SMAD family member 2; minus strand). Cytogenetic location: 18q21.1.
Variant type: single nucleotide variant.
Coding change: c.1303C>T on transcript NM_005901.6 (MANE Select); coding-DNA position 1303, C replaced by T.
Protein change: p.Pro435Ser; replaces proline 435 with serine.
Molecular consequence: missense variant.
Genome position (GRCh38, 1-based): chr18:47,841,928, G>A on the plus strand (C>T on the coding strand, the complement: SMAD2 is on the minus strand). VCF-style: chr18-47841928-G-A. GRCh37 (hg19) VCF-style: chr18-45368299-G-A.
Other names: c.1303C>T, p.Pro435Ser (NM_001003652.4); c.1213C>T, p.Pro405Ser (NM_001135937.3); c.1303C>T (NM_005901.5); short protein forms P405S, P435S.
Identifiers: ClinVar variation 3616659 (VCV003616659.4).